The following is an entry in ClinVar:

ClinVar aggregate classification (germline): Likely benign. Review status: criteria provided, multiple submitters, no conflicts (2 of 4 stars). 4 submissions from 4 submitters: Likely benign (3). 1 of the submissions does not count toward it. Last evaluated 2025-04-25.

Conditions:
GSR-related disorder. Also called: GSR-related condition.
Hemolytic anemia due to glutathione reductase deficiency (CNSHA10). Also called: ANEMIA, CONGENITAL, NONSPHEROCYTIC HEMOLYTIC, 10. Identifiers: Orphanet 90030, MedGen C5231513, MONDO:0019531, OMIM 618660.

Allele frequency attached by ClinVar (database versions not stated): TOPMed 0.00033; ESP Exome Variant Server 0.00038; 1000 Genomes Project 30x 0.00047; 1000 Genomes Project 0.00060.
gnomAD v4.1: 715 of 1,613,974 alleles (0.044%); highest among the groups gnomAD compares: Non-Finnish European, 0.058%; 1 homozygote.

Submissions (4):

ARUP Laboratories, Molecular Genetics and Genomics, ARUP Laboratories
Classification: Likely benign for Hemolytic anemia due to glutathione reductase deficiency. Last evaluated: 2025-04-25. Review status: criteria provided, single submitter. Criteria: ARUP Molecular Germline Variant Investigation Process 2024. Collection method: clinical testing. Allele origin: germline.

Blueprint Genetics
Classification: Likely benign. Last evaluated: 2024-09-11. Review status: criteria provided, single submitter. Criteria: ACMG Guidelines, 2015. Collection method: clinical testing. Allele origin: germline.

Labcorp Genetics (formerly Invitae), Labcorp
Classification: Likely benign. Last evaluated: 2024-08-11. Review status: criteria provided, single submitter. Criteria: Invitae Variant Classification Sherloc (09022015). Collection method: clinical testing. Allele origin: germline.

PreventionGenetics, part of Exact Sciences
Classification: Likely benign for GSR-related condition. Last evaluated: 2019-08-13. Review status: no assertion criteria provided. Collection method: clinical testing. Allele origin: germline. Not counted in ClinVar's aggregate classification.
Comment: This variant is classified as likely benign based on ACMG/AMP sequence variant interpretation guidelines (Richards et al. 2015 PMID: 25741868, with internal and published modifications).

NM_000637.5(GSR):c.531G>T (p.Thr177=)

Gene: GSR (glutathione-disulfide reductase; minus strand). Cytogenetic location: 8p12.
Variant type: single nucleotide variant.
Coding change: c.531G>T on transcript NM_000637.5 (MANE Select); coding-DNA position 531, G replaced by T.
Protein change: p.Thr177=; no amino-acid change (threonine 177 retained).
Molecular consequence: synonymous variant.
Genome position (GRCh38, 1-based): chr8:30,703,202, C>A on the plus strand (G>T on the coding strand, the complement: GSR is on the minus strand). VCF-style: chr8-30703202-C-A. GRCh37 (hg19) VCF-style: chr8-30560719-C-A.
Other names: c.531G>T, p.Thr177= (NM_001195102.3, NM_001195103.3, NM_001195104.3).
Identifiers: ClinVar variation 724845 (VCV000724845.14), dbSNP rs147119692, ClinGen allele CA4701487.
Genomic context (GRCh38, chr8:30,703,202, plus strand): 5'-CAGGATGTGTGGGGCGGTGTACTTTTTCCCACTGACCTCTATTGTGGGCTTGGGATCACT[C>A]GTGAAGGCTGCATGGCCACGGATGATTTCTATATGGGACTAAAGAAGGAACCATGACATT-3'
Protein context (NP_000628.2, residues 167-187): IEIIRGHAAF[Thr177=]SDPKPTIEVS